The following is an entry in ClinVar:

ClinVar aggregate classification (germline): Uncertain significance (1 of 4 stars; one submission).

Submission:

GeneDx
Classification: Uncertain significance. Last evaluated: 2022-12-07. Review status: criteria provided, single submitter. Criteria: GeneDx Variant Classification Process June 2021. Collection method: clinical testing. Allele origin: germline. Affected: yes.
Comment: Not observed at significant frequency in large population cohorts (gnomAD); In silico analysis supports that this missense variant has a deleterious effect on protein structure/function; Has not been previously published as pathogenic or benign to our knowledge; Variants in candidate genes are classified as variants of uncertain significance in accordance with ACMG guidelines (Richards et al., 2015)

NM_018897.3(DNAH7):c.7031G>A (p.Gly2344Glu)

Gene: DNAH7 (dynein axonemal heavy chain 7; minus strand). Cytogenetic location: 2q32.3.
Variant type: single nucleotide variant.
Coding change: c.7031G>A on transcript NM_018897.3 (MANE Select); coding-DNA position 7031, G replaced by A.
Protein change: p.Gly2344Glu; replaces glycine 2344 with glutamic acid.
Molecular consequence: missense variant.
Genome position (GRCh38, 1-based): chr2:195,864,624, C>T on the plus strand (G>A on the coding strand, the complement: DNAH7 is on the minus strand). VCF-style: chr2-195864624-C-T. GRCh37 (hg19) VCF-style: chr2-196729348-C-T.
Other names: short protein forms G2344E.
Identifiers: ClinVar variation 3342753 (VCV003342753.1).